The following is an entry in ClinVar:

NM_001278.5(CHUK):c.385+4C>A

Gene: CHUK (component of inhibitor of nuclear factor kappa B kinase complex; minus strand). Cytogenetic location: 10q24.31.
Variant type: single nucleotide variant.
Coding change: c.385+4C>A on transcript NM_001278.5 (MANE Select); 4 bases into the intron after coding-DNA position 385, C replaced by A.
Molecular consequence: intron variant.
Genome position (GRCh38, 1-based): chr10:100,222,108, G>T on the plus strand (C>A on the coding strand, the complement: CHUK is on the minus strand). VCF-style: chr10-100222108-G-T. GRCh37 (hg19) VCF-style: chr10-101981865-G-T.
Other names: c.385+4C>A (NM_001278.4, NM_001320928.2).
Identifiers: ClinVar variation 2200765 (VCV002200765.6), dbSNP rs374740759, ClinGen allele CA5646685.
Genomic context (GRCh38, chr10:100,222,108, plus strand): 5'-AAAAAGATCTTTTATGGGCCAAAGGGACATTACATTACAATGGTATTTTAATACTGATAC[G>T]TACCTATATCACTTAGTAAAGAAAGTATCTGGCTTTCTTTAAGTCCACAACAATTTTCTG-3'

ClinVar aggregate classification (germline): Uncertain significance. Review status: criteria provided, single submitter (1 of 4 stars). 2 submissions from 2 submitters: Uncertain significance (1). 1 of the submissions does not count toward it. Last evaluated 2023-12-21.

Conditions:
CHUK-related disorder. Also called: CHUK-related condition.

Allele frequency attached by ClinVar (database versions not stated): ESP Exome Variant Server 0.00023.
gnomAD v4.1: 30 of 1,453,390 alleles (0.0021%); highest among the groups gnomAD compares: African/African-American, 0.035%; no homozygotes.

Submissions (2):

Labcorp Genetics (formerly Invitae), Labcorp
Classification: Uncertain significance. Last evaluated: 2023-12-21. Review status: criteria provided, single submitter. Criteria: Invitae Variant Classification Sherloc (09022015). Collection method: clinical testing. Allele origin: germline.
Comment: This sequence change falls in intron 4 of the CHUK gene. It does not directly change the encoded amino acid sequence of the CHUK protein. It affects a nucleotide within the consensus splice site. This variant is present in population databases (rs374740759, gnomAD 0.05%). This variant has not been reported in the literature in individuals affected with CHUK-related conditions. ClinVar contains an entry for this variant (Variation ID: 2200765). Variants that disrupt the consensus splice site are a relatively common cause of aberrant splicing (PMID: 17576681, 9536098). Algorithms developed to predict the effect of sequence changes on RNA splicing suggest that this variant is not likely to affect RNA splicing. In summary, the available evidence is currently insufficient to determine the role of this variant in disease. Therefore, it has been classified as a Variant of Uncertain Significance.

PreventionGenetics, part of Exact Sciences
Classification: Likely benign for CHUK-related condition. Last evaluated: 2019-03-05. Review status: no assertion criteria provided. Collection method: clinical testing. Allele origin: germline. Not counted in ClinVar's aggregate classification.
Comment: This variant is classified as likely benign based on ACMG/AMP sequence variant interpretation guidelines (Richards et al. 2015 PMID: 25741868, with internal and published modifications).

Literature cited by the submitters: PubMed 17576681 (cited by Labcorp Genetics (formerly Invitae), Labcorp); PubMed 9536098 (cited by Labcorp Genetics (formerly Invitae), Labcorp).